The following is an entry in ClinVar:

ClinVar aggregate classification (germline): Likely benign (1 of 4 stars; one submission).

gnomAD v4.1: 38 of 1,613,448 alleles (0.0024%); highest among the groups gnomAD compares: Admixed American, 0.01%; no homozygotes.

Submission:

CeGaT Center for Human Genetics Tuebingen
Classification: Likely benign. Last evaluated: 2026-07-01. Review status: criteria provided, single submitter. Criteria: CeGaT Center For Human Genetics Tuebingen Variant Classification Criteria Version 2. Collection method: clinical testing. Allele origin: germline. Affected: yes. Observed: 2 variant alleles.
Comment: SLC4A10: BP4, BP7

NM_001178015.2(SLC4A10):c.2937G>A (p.Pro979=)

Gene: SLC4A10 (solute carrier family 4 member 10; plus strand). Cytogenetic location: 2q24.2.
Variant type: single nucleotide variant.
Coding change: c.2937G>A on transcript NM_001178015.2 (MANE Select); coding-DNA position 2937, G replaced by A.
Protein change: p.Pro979=; no amino-acid change (proline 979 retained).
Molecular consequence: synonymous variant.
Genome position (GRCh38, 1-based): chr2:161,964,209, G>A. VCF-style: chr2-161964209-G-A. GRCh37 (hg19) VCF-style: chr2-162820719-G-A.
Other names: c.2880G>A, p.Pro960= (NM_001178016.2, NM_001354445.2); c.2937G>A, p.Pro979= (NM_001354440.2); c.2970G>A, p.Pro990= (NM_001354441.2, NM_001354442.2); c.2883G>A, p.Pro961= (NM_001354443.2, NM_001354447.2); c.2934G>A, p.Pro978= (NM_001354444.2); c.2847G>A, p.Pro949= (NM_001354446.2, NM_001354450.2, NM_022058.4); c.2877G>A, p.Pro959= (NM_001354448.2); c.2844G>A, p.Pro948= (NM_001354449.2, NM_001354451.2); and 3 more.
Identifiers: ClinVar variation 3905596 (VCV003905596.10).